The following is an entry in ClinVar:

ClinVar aggregate classification (germline): Uncertain significance (1 of 4 stars; one submission).

gnomAD v4.1: 3 of 1,612,788 alleles (0.00019%); highest among the groups gnomAD compares: African/African-American, 0.004%; no homozygotes.

Submission:

Labcorp Genetics (formerly Invitae), Labcorp
Classification: Uncertain significance. Last evaluated: 2024-07-30. Review status: criteria provided, single submitter. Criteria: Invitae Variant Classification Sherloc (09022015). Collection method: clinical testing. Allele origin: germline.
Comment: This sequence change replaces histidine, which is basic and polar, with proline, which is neutral and non-polar, at codon 2526 of the HMCN1 protein (p.His2526Pro). This variant is not present in population databases (gnomAD no frequency). This variant has not been reported in the literature in individuals affected with HMCN1-related conditions. An algorithm developed to predict the effect of missense changes on protein structure and function (PolyPhen-2) suggests that this variant is likely to be disruptive. In summary, the available evidence is currently insufficient to determine the role of this variant in disease. Therefore, it has been classified as a Variant of Uncertain Significance.

NM_031935.3(HMCN1):c.7577A>C (p.His2526Pro)

Gene: HMCN1 (hemicentin 1; plus strand). Cytogenetic location: 1q31.1.
Variant type: single nucleotide variant.
Coding change: c.7577A>C on transcript NM_031935.3 (MANE Select); coding-DNA position 7577, A replaced by C.
Protein change: p.His2526Pro; replaces histidine 2526 with proline.
Molecular consequence: missense variant.
Genome position (GRCh38, 1-based): chr1:186,065,301, A>C. VCF-style: chr1-186065301-A-C. GRCh37 (hg19) VCF-style: chr1-186034433-A-C.
Other names: short protein forms H2526P.
Identifiers: ClinVar variation 3699620 (VCV003699620.2).